The following is an entry in ClinVar:

NM_005886.3(KATNB1):c.1850G>A (p.Arg617Gln)

Gene: KATNB1 (katanin regulatory subunit B1; plus strand). Cytogenetic location: 16q21.
Variant type: single nucleotide variant.
Coding change: c.1850G>A on transcript NM_005886.3 (MANE Select); coding-DNA position 1850, G replaced by A.
Protein change: p.Arg617Gln; replaces arginine 617 with glutamine.
Molecular consequence: missense variant.
Genome position (GRCh38, 1-based): chr16:57,756,828, G>A. VCF-style: chr16-57756828-G-A. GRCh37 (hg19) VCF-style: chr16-57790740-G-A.
Other names: c.1850G>A (NM_005886.2); short protein forms R617Q.
Identifiers: ClinVar variation 1930418 (VCV001930418.6), dbSNP rs138061957, ClinGen allele CA8081407.

ClinVar aggregate classification (germline): Uncertain significance. Review status: criteria provided, multiple submitters, no conflicts (2 of 4 stars). 2 submissions from 2 submitters: Uncertain significance (2). Last evaluated 2025-12-09.

Conditions:
Inborn genetic diseases. Identifiers: MedGen C0950123, MeSH D030342.

Allele frequency attached by ClinVar (database versions not stated): gnomAD 0.00001; TOPMed 0.00002; ExAC 0.00003; gnomAD exomes 0.00003; ESP Exome Variant Server 0.00015.

Submissions (2):

Ambry Genetics
Classification: Uncertain significance for Inborn genetic diseases. Last evaluated: 2025-12-09. Review status: criteria provided, single submitter. Criteria: Ambry Variant Classification Scheme 2023. Collection method: clinical testing. Allele origin: germline.

Labcorp Genetics (formerly Invitae), Labcorp
Classification: Uncertain significance. Last evaluated: 2024-12-02. Review status: criteria provided, single submitter. Criteria: Invitae Variant Classification Sherloc (09022015). Collection method: clinical testing. Allele origin: germline.
Comment: This sequence change replaces arginine, which is basic and polar, with glutamine, which is neutral and polar, at codon 617 of the KATNB1 protein (p.Arg617Gln). The frequency data for this variant in the population databases is considered unreliable, as metrics indicate poor data quality at this position in the gnomAD database. This variant has not been reported in the literature in individuals affected with KATNB1-related conditions. ClinVar contains an entry for this variant (Variation ID: 1930418). Invitae Evidence Modeling of protein sequence and biophysical properties (such as structural, functional, and spatial information, amino acid conservation, physicochemical variation, residue mobility, and thermodynamic stability) indicates that this missense variant is not expected to disrupt KATNB1 protein function with a negative predictive value of 95%. In summary, the available evidence is currently insufficient to determine the role of this variant in disease. Therefore, it has been classified as a Variant of Uncertain Significance.